The following is an entry in ClinVar:

ClinVar aggregate classification (germline): Uncertain significance. Review status: criteria provided, multiple submitters, no conflicts (2 of 4 stars). 2 submissions from 2 submitters: Uncertain significance (2). Last evaluated 2025-10-18.

Conditions:
Long QT syndrome (LQTS). Identifiers: MedGen C0023976, MeSH D008133, MONDO:0002442. Disease mechanism: loss of function. Inheritance: Various modes of inheritance.
Cardiovascular phenotype. Identifiers: MedGen CN230736.

Allele frequency attached by ClinVar (database versions not stated): gnomAD exomes below 0.00001; gnomAD 0.00001.
gnomAD v4.1: 2 of 1,199,352 alleles (0.00017%); highest among the groups gnomAD compares: African/African-American, 0.0032%; no homozygotes.

Submissions (2):

Labcorp Genetics (formerly Invitae), Labcorp
Classification: Uncertain significance for Long QT syndrome. Last evaluated: 2025-10-18. Review status: criteria provided, single submitter. Criteria: Invitae Variant Classification Sherloc (09022015). Collection method: clinical testing. Allele origin: germline.
Comment: This sequence change replaces tyrosine, which is neutral and polar, with cysteine, which is neutral and slightly polar, at codon 51 of the KCNQ1 protein (p.Tyr51Cys). This variant is not present in population databases (gnomAD no frequency). This missense change has been observed in individual(s) with sudden unexpected death (PMID: 24631775). ClinVar contains an entry for this variant (Variation ID: 1774582). Invitae Evidence Modeling of protein sequence and biophysical properties (such as structural, functional, and spatial information, amino acid conservation, physicochemical variation, residue mobility, and thermodynamic stability) indicates that this missense variant is not expected to disrupt KCNQ1 protein function with a negative predictive value of 95%. In summary, the available evidence is currently insufficient to determine the role of this variant in disease. Therefore, it has been classified as a Variant of Uncertain Significance.

Ambry Genetics
Classification: Uncertain significance for Cardiovascular phenotype. Last evaluated: 2023-02-22. Review status: criteria provided, single submitter. Criteria: Ambry Variant Classification Scheme 2023. Collection method: clinical testing. Allele origin: germline.
Comment: The p.Y51C variant (also known as c.152A>G), located in coding exon 1 of the KCNQ1 gene, results from an A to G substitution at nucleotide position 152. The tyrosine at codon 51 is replaced by cysteine, an amino acid with highly dissimilar properties. This variant was reported in a sudden unexplained death case; however, clinical details were limited (Wang D et al. Forensic Sci. Int., 2014 Apr;237:90-9). This amino acid position is well conserved in available vertebrate species. In addition, the in silico prediction for this alteration is inconclusive. Since supporting evidence is limited at this time, the clinical significance of this alteration remains unclear.

Literature cited by the submitters: PubMed 24631775 (cited by Labcorp Genetics (formerly Invitae), Labcorp and Ambry Genetics).

NM_000218.3(KCNQ1):c.152A>G (p.Tyr51Cys)

Gene: KCNQ1 (potassium voltage-gated channel subfamily Q member 1; plus strand). Cytogenetic location: 11p15.5.
Variant type: single nucleotide variant.
Coding change: c.152A>G on transcript NM_000218.3 (MANE Select); coding-DNA position 152, A replaced by G.
Protein change: p.Tyr51Cys; replaces tyrosine 51 with cysteine.
Molecular consequence: missense variant.
Genome position (GRCh38, 1-based): chr11:2,445,250, A>G. VCF-style: chr11-2445250-A-G. GRCh37 (hg19) VCF-style: chr11-2466480-A-G.
Other names: c.152A>G, p.Tyr51Cys (NM_001406836.1, NM_001406838.1); c.-211A>G (NM_001406837.1); short protein forms Y51C.
Identifiers: ClinVar variation 1774582 (VCV001774582.8), dbSNP rs1214341345, ClinGen allele CA379116382.